The following is an entry in ClinVar:

ClinVar aggregate classification (germline): Uncertain significance. Review status: criteria provided, multiple submitters, no conflicts (2 of 4 stars). 3 submissions from 3 submitters: Uncertain significance (2). 1 of the submissions does not count toward it. Last evaluated 2022-05-25.

Conditions:
Intellectual disability. Also called: intellectual disabilities; Intellectual developmental disorder; Intellectual functioning disability. Identifiers: MedGen C3714756, MeSH D008607, MONDO:0001071, HP:0001249.
Temtamy syndrome (TEMTYS). Also called: MENTAL RETARDATION WITH OR WITHOUT CRANIOFACIAL DYSMORPHISM, OCULAR COLOBOMA, OR ABNORMAL CORPUS CALLOSUM. Identifiers: Orphanet 1777, MedGen C1857512, MONDO:0009033, OMIM 218340.

Allele frequency attached by ClinVar (database versions not stated): gnomAD exomes below 0.00001; TOPMed below 0.00001; ExAC 0.00001.
gnomAD v4.1: 6 of 1,613,720 alleles (0.00037%); highest among the groups gnomAD compares: East Asian, 0.0022%; no homozygotes.

Submissions (3):

GeneDx
Classification: Uncertain significance. Last evaluated: 2022-05-25. Review status: criteria provided, single submitter. Criteria: GeneDx Variant Classification Process June 2021. Collection method: clinical testing. Allele origin: germline. Affected: yes.
Comment: Not observed at significant frequency in large population cohorts (gnomAD); In silico analysis supports that this missense variant has a deleterious effect on protein structure/function; Has not been previously published as pathogenic or benign to our knowledge

Labcorp Genetics (formerly Invitae), Labcorp
Classification: Uncertain significance for Temtamy syndrome. Last evaluated: 2022-02-05. Review status: criteria provided, single submitter. Criteria: Invitae Variant Classification Sherloc (09022015). Collection method: clinical testing. Allele origin: germline.
Comment: In summary, the available evidence is currently insufficient to determine the role of this variant in disease. Therefore, it has been classified as a Variant of Uncertain Significance. Algorithms developed to predict the effect of missense changes on protein structure and function are either unavailable or do not agree on the potential impact of this missense change (SIFT: "Deleterious"; PolyPhen-2: "Probably Damaging"; Align-GVGD: "Class C0"). ClinVar contains an entry for this variant (Variation ID: 640670). This variant has not been reported in the literature in individuals affected with C12orf57-related conditions. This variant is present in population databases (rs782145941, gnomAD 0.0009%). This sequence change replaces tyrosine, which is neutral and polar, with cysteine, which is neutral and slightly polar, at codon 88 of the C12orf57 protein (p.Tyr88Cys).

Centre de Biologie Pathologie Génétique, Centre Hospitalier Universitaire de Lille
Classification: Likely benign for Intellectual disability. Last evaluated: 2019-01-01. Review status: no assertion criteria provided. Collection method: clinical testing. Allele origin: inherited. Affected: yes. Not counted in ClinVar's aggregate classification.

NM_138425.4(C12orf57):c.263A>G (p.Tyr88Cys)

Gene: C12orf57 (chromosome 12 open reading frame 57; plus strand). Cytogenetic location: 12p13.31.
Variant type: single nucleotide variant.
Coding change: c.263A>G on transcript NM_138425.4 (MANE Select); coding-DNA position 263, A replaced by G.
Protein change: p.Tyr88Cys; replaces tyrosine 88 with cysteine.
Molecular consequence: missense variant. On other transcripts: non-coding transcript variant (1).
Genome position (GRCh38, 1-based): chr12:6,945,804, A>G. VCF-style: chr12-6945804-A-G. GRCh37 (hg19) VCF-style: chr12-7054967-A-G.
Other names: c.263A>G, p.Tyr88Cys (NM_001301834.1); c.224A>G, p.Tyr75Cys (NM_001301836.2); c.176A>G, p.Tyr59Cys (NM_001301837.2); c.158A>G, p.Tyr53Cys (NM_001301838.2); short protein forms Y88C, Y59C, Y53C, Y75C.
Identifiers: ClinVar variation 640670 (VCV000640670.11), dbSNP rs782145941, ClinGen allele CA6421341.